The following is an entry in ClinVar:

NM_002609.4(PDGFRB):c.3076C>T (p.Pro1026Ser)

Gene: PDGFRB (platelet derived growth factor receptor beta; minus strand). Cytogenetic location: 5q32.
Variant type: single nucleotide variant.
Coding change: c.3076C>T on transcript NM_002609.4 (MANE Select); coding-DNA position 3076, C replaced by T.
Protein change: p.Pro1026Ser; replaces proline 1026 with serine.
Molecular consequence: missense variant.
Genome position (GRCh38, 1-based): chr5:150,117,679, G>A on the plus strand (C>T on the coding strand, the complement: PDGFRB is on the minus strand). VCF-style: chr5-150117679-G-A. GRCh37 (hg19) VCF-style: chr5-149497242-G-A.
Other names: c.2884C>T, p.Pro962Ser (NM_001355016.2); c.2593C>T, p.Pro865Ser (NM_001355017.2); short protein forms P865S, P962S, P1026S.
Identifiers: ClinVar variation 3384581 (VCV003384581.1).

ClinVar aggregate classification (germline): Uncertain significance (1 of 4 stars; one submission).

Submission:

GeneDx
Classification: Uncertain significance. Last evaluated: 2024-06-04. Review status: criteria provided, single submitter. Criteria: GeneDx Variant Classification Process June 2021. Collection method: clinical testing. Allele origin: germline. Affected: yes.
Comment: Not observed at significant frequency in large population cohorts (gnomAD); In silico analysis supports that this missense variant has a deleterious effect on protein structure/function; Has not been previously published as pathogenic or benign to our knowledge